The following is an entry in ClinVar:

NM_005120.3(MED12):c.6177_6191del (p.Gln2072_Gln2076del)

Gene: MED12 (mediator complex subunit 12; plus strand). Cytogenetic location: Xq13.1.
Variant type: Deletion.
Coding change: c.6177_6191del on transcript NM_005120.3 (MANE Select); coding-DNA positions 6177 to 6191, 15 bases deleted (ACAGCAACAGCAGCA).
Protein change: p.Gln2072_Gln2076del.
Molecular consequence: inframe deletion.
Genome position (GRCh38, 1-based): chrX:71,140,767-71,140,781, ACAGCAACAGCAGCA deleted; deleting any 15 consecutive bases within chrX:71,140,753-71,140,781 gives the same sequence; the c. name uses the placement nearest the transcript's 3' end. VCF-style (leftmost placement, unchanged base first): chrX-71140752-GCAGCAACAGCAGCAA-G. GRCh37 (hg19) VCF-style: chrX-70360602-GCAGCAACAGCAGCAA-G.
Identifiers: ClinVar variation 519565 (VCV000519565.12), dbSNP rs767827315, ClinGen allele CA10444884.

ClinVar aggregate classification (germline): Uncertain significance. Review status: criteria provided, multiple submitters, no conflicts (2 of 4 stars). 3 submissions from 3 submitters: Uncertain significance (3). Last evaluated 2023-08-08.

Conditions:
Familial thoracic aortic aneurysm and aortic dissection (TAAD). Also called: Thoracic aortic aneurysms and dissections. Identifiers: Orphanet 91387, MedGen C4707243, MONDO:0019625.
FG syndrome (FGS). Identifiers: MedGen C0220769, MONDO:0002010.
Blepharophimosis - intellectual disability syndrome, MKB type. Also called: Ohdo syndrome, X-linked; BLEPHAROPHIMOSIS-MENTAL RETARDATION SYNDROME, MAAT-KIEVIT-BRUNNER TYPE; X-Linked Ohdo Syndrome (XLOS). Identifiers: Orphanet 293707, MedGen C3698541, MONDO:0010477, OMIM 300895.

Submissions (3):

Labcorp Genetics (formerly Invitae), Labcorp
Classification: Uncertain significance for FG syndrome. Last evaluated: 2023-08-08. Review status: criteria provided, single submitter. Criteria: Invitae Variant Classification Sherloc (09022015). Collection method: clinical testing. Allele origin: germline.
Comment: This variant has not been reported in the literature in individuals affected with MED12-related conditions. This variant, c.6177_6191del, results in the deletion of 5 amino acid(s) of the MED12 protein (p.Gln2072_Gln2076del), but otherwise preserves the integrity of the reading frame. The frequency data for this variant in the population databases is considered unreliable, as metrics indicate poor data quality at this position in the gnomAD database. ClinVar contains an entry for this variant (Variation ID: 519565). Experimental studies and prediction algorithms are not available or were not evaluated, and the functional significance of this variant is currently unknown. In summary, the available evidence is currently insufficient to determine the role of this variant in disease. Therefore, it has been classified as a Variant of Uncertain Significance.

Genomic Research Center, Shahid Beheshti University of Medical Sciences
Classification: Uncertain significance for Blepharophimosis - intellectual disability syndrome, MKB type. Last evaluated: 2017-12-18. Review status: criteria provided, single submitter. Criteria: ACMG Guidelines, 2015. Collection method: clinical testing. Allele origin: inherited. Affected: yes.

Ambry Genetics
Classification: Uncertain significance for Familial thoracic aortic aneurysm and aortic dissection. Last evaluated: 2016-01-18. Review status: criteria provided, single submitter. Criteria: Ambry Variant Classification Scheme 2023. Collection method: clinical testing. Allele origin: germline.
Comment: The c.6177_6191del15 variant (also known as p.Q2072_Q2076del) is located in coding exon 42 of the MED12 gene. This variant results from an in-frame deletion of between nucleotide positions 6177 and 6191. This results in the deletion of five glutamine residues within a poly-glutamine track. This variant was not reported in population based cohorts in the following databases: Database of Single Nucleotide Polymorphisms (dbSNP), NHLBI Exome Sequencing Project (ESP), and 1000 Genomes Project. In the ESP, this variant was not observed in 6327 samples with coverage at this position. This amino acid position is, in general, well conserved in available vertebrate species. Since supporting evidence is limited at this time, the clinical significance of this variant remains unclear.